The following is an entry in ClinVar:

ClinVar aggregate classification (germline): Likely benign (0 of 4 stars; one submission).

Conditions:
KIF7-related disorder. Also called: KIF7-related condition.

Allele frequency attached by ClinVar (database versions not stated): gnomAD exomes below 0.00001; TOPMed below 0.00001; gnomAD 0.00001.
gnomAD v4.1: 2 of 1,550,246 alleles (0.00013%); highest among the groups gnomAD compares: East Asian, 0.0024%; no homozygotes.

Submission:

PreventionGenetics, part of Exact Sciences
Classification: Likely benign for KIF7-related condition. Last evaluated: 2021-06-10. Review status: no assertion criteria provided. Collection method: clinical testing. Allele origin: germline.
Comment: This variant is classified as likely benign based on ACMG/AMP sequence variant interpretation guidelines (Richards et al. 2015 PMID: 25741868, with internal and published modifications).

NM_198525.3(KIF7):c.329-5C>T

Gene: KIF7 (kinesin family member 7; minus strand). Cytogenetic location: 15q26.1.
Variant type: single nucleotide variant.
Coding change: c.329-5C>T on transcript NM_198525.3 (MANE Select); 5 bases into the intron before coding-DNA position 329, C replaced by T.
Molecular consequence: intron variant.
Genome position (GRCh38, 1-based): chr15:89,649,946, G>A on the plus strand (C>T on the coding strand, the complement: KIF7 is on the minus strand). VCF-style: chr15-89649946-G-A. GRCh37 (hg19) VCF-style: chr15-90193177-G-A.
Identifiers: ClinVar variation 3029132 (VCV003029132.2), dbSNP rs1432254187, ClinGen allele CA716940391.
Genomic context (GRCh38, chr15:89,649,946, plus strand): 5'-GAAGGCCTCGGCCATGGCCCTCGGGACAATGCCCTGCTCATCCTCAAGGAGGGAGGCTGG[G>A]GAGACACCGCAGGGCCTCCTGCCACTTCAGCTGGACACGGCCCATGGCCCCCAGGCCCGG-3'